The following is an entry in ClinVar:

NM_032885.6(ATG4D):c.1066G>A (p.Asp356Asn)

Gene: ATG4D (autophagy related 4D cysteine peptidase; plus strand). Cytogenetic location: 19p13.2.
Variant type: single nucleotide variant.
Coding change: c.1066G>A on transcript NM_032885.6 (MANE Select); coding-DNA position 1066, G replaced by A.
Protein change: p.Asp356Asn; replaces aspartic acid 356 with asparagine.
Molecular consequence: missense variant. On other transcripts: non-coding transcript variant (2).
Genome position (GRCh38, 1-based): chr19:10,552,065, G>A. VCF-style: chr19-10552065-G-A. GRCh37 (hg19) VCF-style: chr19-10662741-G-A.
Other names: c.877G>A, p.Asp293Asn (NM_001281504.2); short protein forms D293N, D356N.
Identifiers: ClinVar variation 1322026 (VCV001322026.3), dbSNP rs1289649383, ClinGen allele CA403992953.
Genomic context (GRCh38, chr19:10,552,065, plus strand): 5'-CCCCCCACCGCACCCCCACTCACACCTGCACCCCCTGCAGATGACTTCCTGCTGTACCTG[G>A]ACCCTCACTACTGCCAGCCCACTGTGGATGTCAGCCAGGCCGACTTCCCCCTGGAGGTGA-3'
Protein context (NP_116274.3, residues 346-366): GYQDDFLLYL[Asp356Asn]PHYCQPTVDV

ClinVar aggregate classification (germline): Uncertain significance. Review status: criteria provided, single submitter (1 of 4 stars). 2 submissions from 2 submitters: Uncertain significance (1). 1 of the submissions does not count toward it. Last evaluated 2018-11-15.

Conditions:
ASHER. Identifiers: MedGen CN300930.

Allele frequency attached by ClinVar (database versions not stated): gnomAD exomes below 0.00001.
gnomAD v4.1: 1 of 1,611,550 alleles (0.000062%); highest among the groups gnomAD compares: African/African-American, 0.0013%; no homozygotes.

Submissions (2):

Blueprint Genetics
Classification: Uncertain significance. Last evaluated: 2018-11-15. Review status: criteria provided, single submitter. Criteria: ACMG Guidelines, 2015. Collection method: clinical testing. Allele origin: germline.

Undiagnosed Diseases Program Translational Research Laboratory, National Institutes of Health
Classification: Pathogenic for ASHER. Last evaluated: 2021-10-17. Review status: no assertion criteria provided. Collection method: research. Allele origin: maternal. Affected: yes. Not counted in ClinVar's aggregate classification.
Comment: Variant pathogenic as shown by in vitro assay. Part of compund heterozygous pair. ATG4D-related disorder; ASHER (ATG4D-related, Spectrum of cerebellar findings, Hypotonia and joint laxity, Early onset, Regression or delay)